The following is an entry in ClinVar:

NM_002180.3(IGHMBP2):c.1757-18C>A

Gene: IGHMBP2 (immunoglobulin mu DNA binding protein 2; plus strand). Cytogenetic location: 11q13.3.
Variant type: single nucleotide variant.
Coding change: c.1757-18C>A on transcript NM_002180.3 (MANE Select); 18 bases into the intron before coding-DNA position 1757, C replaced by A.
Molecular consequence: intron variant.
Genome position (GRCh38, 1-based): chr11:68,936,219, C>A. VCF-style: chr11-68936219-C-A. GRCh37 (hg19) VCF-style: chr11-68703687-C-A.
Identifiers: ClinVar variation 258561 (VCV000258561.10), dbSNP rs77247855, ClinGen allele CA6153770.
Genomic context (GRCh38, chr11:68,936,219, plus strand): 5'-TTACTGATAAGGGCGTAGGAGCCTGACTGTGTTTCTTAGTCTGAAACCTGCTTCTCACTC[C>A]CCTCTGGCCTTTTGTAGGTGAAGTTGGTTTTCTTGCTGAGGACCGGAGGATCAACGTGGC-3'

ClinVar aggregate classification (germline): Benign. Review status: criteria provided, multiple submitters, no conflicts (2 of 4 stars). 4 submissions from 4 submitters: Benign (4). Last evaluated 2026-01-28.

Conditions:
Charcot-Marie-Tooth disease axonal type 2S. Also called: CHARCOT-MARIE-TOOTH DISEASE, AXONAL, AUTOSOMAL RECESSIVE, TYPE 2S; CHARCOT-MARIE-TOOTH NEUROPATHY, TYPE 2S. Identifiers: Orphanet 443073, MedGen C4015349, MONDO:0014511, OMIM 616155.
Autosomal recessive distal spinal muscular atrophy 1. Also called: NEURONOPATHY, SEVERE INFANTILE AXONAL, WITH RESPIRATORY FAILURE; SEVERE INFANTILE AXONAL NEUROPATHY WITH RESPIRATORY FAILURE; SPINAL MUSCULAR ATROPHY, DIAPHRAGMATIC; Spinal muscular atrophy with respiratory distress 1; HMN VI; NEURONOPATHY, DISTAL HEREDITARY MOTOR, HARDING TYPE VI. Identifiers: Orphanet 98920, MedGen C1858517, MONDO:0011436, OMIM 604320.

Allele frequency attached by ClinVar (database versions not stated): ESP Exome Variant Server 0.00932; 1000 Genomes Project 0.01038; TOPMed 0.00846; gnomAD exomes 0.00201; gnomAD 0.00750 and 0.00796; ExAC 0.00243; 1000 Genomes Project 30x 0.01109.
gnomAD v4.1: 2,125 of 1,613,522 alleles (0.13%); highest among the groups gnomAD compares: African/African-American, 2.5%; 25 homozygotes.

Submissions (4):

Labcorp Genetics (formerly Invitae), Labcorp
Classification: Benign for Autosomal recessive distal spinal muscular atrophy 1; Charcot-Marie-Tooth disease axonal type 2S. Last evaluated: 2026-01-28. Review status: criteria provided, single submitter. Criteria: Invitae Variant Classification Sherloc (09022015). Collection method: clinical testing. Allele origin: germline.

GeneDx
Classification: Benign. Last evaluated: 2016-03-02. Review status: criteria provided, single submitter. Criteria: GeneDx Variant Classification (06012015). Collection method: clinical testing. Allele origin: germline. Affected: yes.
Comment: This variant is considered likely benign or benign based on one or more of the following criteria: it is a conservative change, it occurs at a poorly conserved position in the protein, it is predicted to be benign by multiple in silico algorithms, and/or has population frequency not consistent with disease.

Breakthrough Genomics
Classification: Benign. Review status: criteria provided, single submitter. Criteria: ACMG Guidelines, 2015. Collection method: not provided. Allele origin: germline. Inheritance: Autosomal recessive inheritance. Affected: yes.

PreventionGenetics, part of Exact Sciences
Classification: Benign. Review status: criteria provided, single submitter. Criteria: ACMG Guidelines, 2015. Collection method: clinical testing. Allele origin: germline.